The following is an entry in ClinVar:

NM_000020.3(ACVRL1):c.717G>A (p.Trp239Ter)

Gene: ACVRL1 (activin A receptor like type 1; plus strand). Cytogenetic location: 12q13.13.
Variant type: single nucleotide variant.
Coding change: c.717G>A on transcript NM_000020.3 (MANE Select); coding-DNA position 717, G replaced by A.
Protein change: p.Trp239Ter; replaces tryptophan 239 with a stop codon.
Molecular consequence: nonsense.
Genome position (GRCh38, 1-based): chr12:51,914,530, G>A. VCF-style: chr12-51914530-G-A. GRCh37 (hg19) VCF-style: chr12-52308314-G-A.
Other names: c.405G>A, p.Trp135Ter (NM_001406494.1, NM_001406490.1, NM_001406491.1 and 2 more transcripts); c.153G>A, p.Trp51Ter (NM_001406495.1); c.717G>A, p.Trp239Ter (NM_001077401.2, NM_001406487.1, NM_001406488.1 and 1 more transcripts); short protein forms W239*, W51*, W135*.
Identifiers: ClinVar variation 1757522 (VCV001757522.8), dbSNP rs2540162764, ClinGen allele CA384900144.

ClinVar aggregate classification (germline): Pathogenic/Likely pathogenic. Review status: criteria provided, multiple submitters, no conflicts (2 of 4 stars). 3 submissions from 3 submitters: Pathogenic (2); Likely pathogenic (1). Last evaluated 2024-08-28.

Conditions:
Cardiovascular phenotype. Identifiers: MedGen CN230736.
ACVRL1-related disorder. Also called: ACVRL1-related condition; ACVRL1-related disorders.
Telangiectasia, hereditary hemorrhagic, type 2 (HHT2). Also called: ACVRL1-Related Hereditary Hemorrhagic Telangiectasia; Telangiectasia, hereditary hemorrhagic, type II. Identifiers: Orphanet 774, MedGen C1838163, MONDO:0010880, OMIM 600376. Disease mechanism: loss of function.

Submissions (3):

Labcorp Genetics (formerly Invitae), Labcorp
Classification: Pathogenic for Telangiectasia, hereditary hemorrhagic, type 2. Last evaluated: 2024-08-28. Review status: criteria provided, single submitter. Criteria: Invitae Variant Classification Sherloc (09022015). Collection method: clinical testing. Allele origin: germline.
Comment: This sequence change creates a premature translational stop signal (p.Trp239*) in the ACVRL1 gene. It is expected to result in an absent or disrupted protein product. Loss-of-function variants in ACVRL1 are known to be pathogenic (PMID: 15879500). This variant is not present in population databases (gnomAD no frequency). This premature translational stop signal has been observed in individual(s) with hereditary hemorrhagic telangiectasia (PMID: 16690726). ClinVar contains an entry for this variant (Variation ID: 1757522). For these reasons, this variant has been classified as Pathogenic.

Ambry Genetics
Classification: Pathogenic for Cardiovascular phenotype. Last evaluated: 2022-07-18. Review status: criteria provided, single submitter. Criteria: Ambry Variant Classification Scheme 2023. Collection method: clinical testing. Allele origin: germline.
Comment: The p.W239* variant (also known as c.717G>A), located in coding exon 5 of the ACVRL1 gene, results from a G to A substitution at nucleotide position 717. This changes the amino acid from a tryptophan to a stop codon within coding exon 5. A different nucleotide substitution resulting in the same protein impact (p.W239X, c.716G>A) has been detected in an individual from a hereditary hemorrhagic telangiectasia cohort (Prigoda NL et al. J Med Genet, 2006 Sep;43:722-8). This variant is considered to be rare based on population cohorts in the Genome Aggregation Database (gnomAD). This alteration is expected to result in loss of function by premature protein truncation or nonsense-mediated mRNA decay. As such, this alteration is interpreted as a disease-causing mutation.

Blueprint Genetics
Classification: Likely pathogenic for ACVRL1-related disorders. Last evaluated: 2018-02-13. Review status: criteria provided, single submitter. Criteria: ACMG Guidelines, 2015. Collection method: clinical testing. Allele origin: germline. Affected: yes. Observed: 1 variant allele.

Literature cited by the submitters: PubMed 15879500 (cited by Labcorp Genetics (formerly Invitae), Labcorp); PubMed 16690726 (cited by Labcorp Genetics (formerly Invitae), Labcorp and Ambry Genetics).